The following is an entry in ClinVar:

NM_020964.3(EPG5):c.5027T>C (p.Ile1676Thr)

Gene: EPG5 (ectopic P-granules 5 autophagy tethering factor; minus strand). Cytogenetic location: 18q12.3.
Variant type: single nucleotide variant.
Coding change: c.5027T>C on transcript NM_020964.3 (MANE Select); coding-DNA position 5027, T replaced by C.
Protein change: p.Ile1676Thr; replaces isoleucine 1676 with threonine.
Molecular consequence: missense variant.
Genome position (GRCh38, 1-based): chr18:45,887,833, A>G on the plus strand (T>C on the coding strand, the complement: EPG5 is on the minus strand). VCF-style: chr18-45887833-A-G. GRCh37 (hg19) VCF-style: chr18-43467798-A-G.
Other names: c.5027T>C, p.Ile1676Thr (NM_001410858.1, NM_001410859.1); short protein forms I1676T.
Identifiers: ClinVar variation 2184920 (VCV002184920.1), dbSNP rs368012788, ClinGen allele CA8948691.

ClinVar aggregate classification (germline): Uncertain significance (1 of 4 stars; one submission).

Conditions:
Vici syndrome (VICIS). Identifiers: Orphanet 1493, MedGen C1855772, MONDO:0009452, OMIM 242840.

Allele frequency attached by ClinVar (database versions not stated): gnomAD exomes 0.00001; TOPMed 0.00002; ExAC 0.00003; gnomAD 0.00003; ESP Exome Variant Server 0.00008.
gnomAD v4.1: 15 of 1,605,568 alleles (0.00093%); highest among the groups gnomAD compares: Non-Finnish European, 0.0013%; no homozygotes.

Submission:

Labcorp Genetics (formerly Invitae), Labcorp
Classification: Uncertain significance for Vici syndrome. Last evaluated: 2022-09-15. Review status: criteria provided, single submitter. Criteria: Invitae Variant Classification Sherloc (09022015). Collection method: clinical testing. Allele origin: germline.
Comment: This sequence change replaces isoleucine, which is neutral and non-polar, with threonine, which is neutral and polar, at codon 1676 of the EPG5 protein (p.Ile1676Thr). This variant is present in population databases (rs368012788, gnomAD 0.004%). This variant has not been reported in the literature in individuals affected with EPG5-related conditions. Advanced modeling of protein sequence and biophysical properties (such as structural, functional, and spatial information, amino acid conservation, physicochemical variation, residue mobility, and thermodynamic stability) performed at Invitae indicates that this missense variant is not expected to disrupt EPG5 protein function. In summary, the available evidence is currently insufficient to determine the role of this variant in disease. Therefore, it has been classified as a Variant of Uncertain Significance.